The following is an entry in ClinVar:

ClinVar aggregate classification (germline): Pathogenic. Review status: reviewed by expert panel (3 of 4 stars). 17 submissions from 17 submitters: Pathogenic (1). 16 of the submissions do not count toward it. Last evaluated 2016-09-08.

Conditions:
Breast and/or ovarian cancer. Identifiers: MedGen CN221562.
BRCA2-related disorder. Also called: BRCA2-related condition; BRCA2-related disorders. Identifiers: MedGen CN239275.
Hereditary cancer-predisposing syndrome. Also called: Hereditary neoplastic syndrome; Tumor predisposition; Hereditary Cancer Syndrome; Neoplastic Syndromes, Hereditary. Identifiers: Orphanet 140162, MedGen C0027672, MeSH D009386, MONDO:0015356.
Hereditary breast ovarian cancer syndrome. Also called: Breast and ovarian cancer; Hereditary breast and/or ovarian cancer syndrome; BRCA1- and BRCA2-Associated Hereditary Breast and Ovarian Cancer; Hereditary breast and ovarian cancer syndrome; Hereditary breast and ovarian cancer; Hereditary breast and ovarian cancer syndrome (HBOC). Identifiers: Orphanet 145, MedGen C0677776, MeSH D061325, MONDO:0003582. Disease mechanism: loss of function.
Breast-ovarian cancer, familial, susceptibility to, 2 (BROVCA2). Also called: BRCA2 Hereditary Breast and Ovarian Cancer. Identifiers: Orphanet 145, MedGen C2675520, MONDO:0012933, OMIM 612555. Disease mechanism: loss of function.
Familial cancer of breast. Also called: BREAST CANCER, FAMILIAL; Hereditary breast cancer; hereditary breast carcinoma. Identifiers: Orphanet 227535, MedGen C0346153, MONDO:0016419, OMIM 114480. Disease mechanism: loss of function.

Submissions 1 to 9 of 17:

Evidence-based Network for the Interpretation of Germline Mutant Alleles (ENIGMA)
Classification: Pathogenic for Breast-ovarian cancer, familial, susceptibility to, 2. Last evaluated: 2016-09-08. Review status: reviewed by expert panel. Criteria: ENIGMA BRCA1/2 Classification Criteria (2015). Collection method: curation. Allele origin: germline.
Comment: Variant allele predicted to encode a truncated non-functional protein.

PreventionGenetics, part of Exact Sciences
Classification: Pathogenic for BRCA2-related condition. Last evaluated: 2026-03-23. Review status: criteria provided, single submitter. Criteria: ACMG Guidelines, 2015. Collection method: clinical testing. Allele origin: germline. Not counted in ClinVar's aggregate classification.
Comment: The BRCA2 c.4631dupA variant is predicted to result in a frameshift and premature protein termination (p.Asn1544Lysfs*4). This variant, which is also referred to as c.1961dupA 2080insA or 4859insA using legacy nomenclature, has been reported in multiple individuals and families with hereditary breast and ovarian cancer (HBOC) from various ethnicities (Ramus et al. 2007. PubMed ID: 17688236; Blay et al. 2013. PubMed ID: 23683081; Supplementary Table 1, Rebbeck et al. 2018. PubMed ID: 29446198). This variant is reported in 0.0016% of alleles in individuals of European (non-Finnish) descent in gnomAD and is interpreted as pathogenic in ClinVar (Variation ID: 37912). Frameshift variants in BRCA2 are expected to be pathogenic. This variant is interpreted as pathogenic.

GeneDx
Classification: Pathogenic. Last evaluated: 2025-10-27. Review status: criteria provided, single submitter. Criteria: GeneDx Variant Classification Process June 2021. Collection method: clinical testing. Allele origin: germline. Affected: yes. Not counted in ClinVar's aggregate classification.
Comment: Frameshift variant predicted to result in protein truncation or nonsense mediated decay in a gene for which loss of function is a known mechanism of disease; Observed in individuals with a personal or family history consistent with pathogenic variants in this gene (PMID: 17688236, 23683081, 24728189); Not observed at significant frequency in large population cohorts (gnomAD); Truncating variants in this gene are considered pathogenic by a well-established clinical consortium and/or database; Also known as 4859dupA; This variant is associated with the following publications: (PMID: 23683081, 36169650, 36367610, 26315209, 29922827, 28888541, 17688236, 25980754, 24728189, 30720243, 32719484, 30787465, Celebi_2022_Case Report, Stoganova_2022_Case Report, 38922859, 37563628)

Labcorp Genetics (formerly Invitae), Labcorp
Classification: Pathogenic for Hereditary breast ovarian cancer syndrome. Last evaluated: 2025-10-06. Review status: criteria provided, single submitter. Criteria: Invitae Variant Classification Sherloc (09022015). Collection method: clinical testing. Allele origin: germline. Not counted in ClinVar's aggregate classification.
Comment: This sequence change creates a premature translational stop signal (p.Asn1544Lysfs*4) in the BRCA2 gene. It is expected to result in an absent or disrupted protein product. Loss-of-function variants in BRCA2 are known to be pathogenic (PMID: 20104584). This variant is present in population databases (rs771851449, gnomAD 0.002%). This premature translational stop signal has been observed in individual(s) with breast/ovarian cancer, and an individual undergoing testing for Lynch syndrome (PMID: 17688236, 23683081, 24728189, 25980754). This variant is also known as 4859insA. ClinVar contains an entry for this variant (Variation ID: 37912). For these reasons, this variant has been classified as Pathogenic.

Color Diagnostics, LLC DBA Color Health
Classification: Pathogenic for Hereditary cancer-predisposing syndrome. Last evaluated: 2024-12-16. Review status: criteria provided, single submitter. Criteria: ACMG Guidelines, 2015. Collection method: clinical testing. Allele origin: germline. Not counted in ClinVar's aggregate classification.
Comment: This variant inserts 1 nucleotide in exon 11 of the BRCA2 gene, creating a frameshift and premature translation stop signal. This variant is expected to result in an absent or non-functional protein product. This variant has been reported in 5 individuals affected with breast or ovarian cancer (PMID: 17688236, 22711857, 23683081, 24728189, 28525389), 1 individual suspected to be affected with Lynch Syndrome and (PMID: 25980754), and has been identified in 9 families among the CIMBA participants (PMID: 29446198). This variant has been identified in 2/276320 chromosomes in the general population by the Genome Aggregation Database (gnomAD). Loss of BRCA2 function is a known mechanism of disease. Based on the available evidence, this variant is classified as Pathogenic.

Ambry Genetics
Classification: Pathogenic for Hereditary cancer-predisposing syndrome. Last evaluated: 2024-07-12. Review status: criteria provided, single submitter. Criteria: Ambry Variant Classification Scheme 2023. Collection method: clinical testing. Allele origin: germline. Not counted in ClinVar's aggregate classification.
Comment: The c.4631dupA pathogenic mutation, located in coding exon 10 of the BRCA2 gene, results from a duplication of A at nucleotide position 4631, causing a translational frameshift with a predicted alternate stop codon (p.N1544Kfs*4). This mutation has been identified in multiple European breast and/or ovarian cancer families (Al-Mulla F et al. J. Clin. Pathol. 2009 Apr;62(4):350-6; Ramus SJ et al. Hum Mutat, 2007 Dec;28:1207-15; Blay P et al. BMC Cancer. 2013 May 17;13:243; Song H et al. Hum Mol Genet, 2014 Sep;23:4703-9). This mutation was also detected in a cohort of 29,906 healthy individuals who underwent multigene panel testing (Grzymski JJ et al. Nat Med, 2020 08;26:1235-1239). Of note, this alteration is also designated as 4859insA in published literature. In addition to the clinical data presented in the literature, this alteration is expected to result in loss of function by premature protein truncation or nonsense-mediated mRNA decay. As such, this alteration is interpreted as a disease-causing mutation.

Baylor Genetics
Classification: Pathogenic for Familial cancer of breast. Last evaluated: 2024-03-30. Review status: criteria provided, single submitter. Criteria: ACMG Guidelines, 2015. Collection method: clinical testing. Allele origin: unknown. Not counted in ClinVar's aggregate classification.

All of Us Research Program, National Institutes of Health
Classification: Pathogenic for Breast-ovarian cancer, familial, susceptibility to, 2. Last evaluated: 2023-06-26. Review status: criteria provided, single submitter. Criteria: ACMG Guidelines, 2015. Collection method: clinical testing. Allele origin: germline. Inheritance: Autosomal dominant inheritance. Observed: 1 variant allele, 1 heterozygote. Not counted in ClinVar's aggregate classification.
Comment: This variant inserts 1 nucleotide in exon 11 of the BRCA2 gene, creating a frameshift and premature translation stop signal. This variant is expected to result in an absent or non-functional protein product. This variant has been reported in 5 individuals affected with breast or ovarian cancer (PMID: 17688236, 22711857, 23683081, 24728189, 28525389), 1 individual suspected to be affected with Lynch Syndrome and (PMID: 25980754), and has been identified in 9 families among the CIMBA participants (PMID: 29446198). This variant has been identified in 2/276320 chromosomes in the general population by the Genome Aggregation Database (gnomAD). Loss of BRCA2 function is a known mechanism of disease. Based on the available evidence, this variant is classified as Pathogenic.

This study involves interpretation of variants in research participants for the purpose of population health screening. Participant phenotype was not available at the time of variant classification. Additional details can be found in publication PMID: 35346344, PMCID: PMC8962531

Quest Diagnostics Nichols Institute San Juan Capistrano
Classification: Pathogenic. Last evaluated: 2019-08-23. Review status: criteria provided, single submitter. Criteria: Quest Diagnostics criteria. Collection method: clinical testing. Allele origin: unknown. Not counted in ClinVar's aggregate classification.
Comment: This frameshift variant causes the premature termination of BRCA2 protein synthesis. In addition, it has been reported in affected individuals with breast and/or ovarian cancer in the published literature (PMIDs: 17688236 (2007), 23683081 (2013) and 25980754 (2015)). Based on the available information, this variant is classified as pathogenic.

NM_000059.4(BRCA2):c.4631dup (p.Asn1544fs)

Gene: BRCA2 (BRCA2 DNA repair associated; plus strand). Cytogenetic location: 13q13.1.
Variant type: Duplication.
Coding change: c.4631dup on transcript NM_000059.4 (MANE Select); coding-DNA position 4631, one base duplicated (A; older notation c.4631dupA).
Protein change: p.Asn1544fs; shifts the reading frame from asparagine 1544.
Molecular consequence: frameshift variant.
Genome position (GRCh38, 1-based): chr13:32,338,986, A duplicated; the last of 5 consecutive A bases (chr13:32,338,982-32,338,986); duplicating any one gives the same sequence. VCF-style (leftmost placement, unchanged base first): chr13-32338981-G-GA. GRCh37 (hg19) VCF-style: chr13-32913118-G-GA.
Other names: 4859insA; c.4631dupA (NM_000059.3); short protein forms N1544fs.
Identifiers: ClinVar variation 37912 (VCV000037912.57), dbSNP rs80359460, ClinGen allele CA020554.